The following is an entry in ClinVar:

NM_001305581.2(LRMDA):c.150dup (p.Ala51fs)

Genes: LRMDA (leucine rich melanocyte differentiation associated; plus strand), LOC110121427 (VISTA enhancer hs1679; plus strand). Cytogenetic location: 10q22.3.
Variant type: Duplication.
Coding change: c.150dup on transcript NM_001305581.2 (MANE Select); coding-DNA position 150, one base duplicated (C; older notation c.150dupC).
Protein change: p.Ala51fs; shifts the reading frame from alanine 51.
Molecular consequence: frameshift variant. On other transcripts: non-coding transcript variant (1).
Genome position (GRCh38, 1-based): chr10:76,036,026, C duplicated. VCF-style (leftmost placement, unchanged base first): chr10-76036025-G-GC. GRCh37 (hg19) VCF-style: chr10-77795783-G-GC.
Other names: LRMDA, 1-BP DUP, 66C; c.66dupC (NM_032024.5, NM_032024.3); c.66dup, p.Ala23fs (NM_032024.5); short protein forms A51fs, A23fs.
Identifiers: ClinVar variation 41917 (VCV000041917.13), dbSNP rs587776953, ClinGen allele CA130909.

ClinVar aggregate classification (germline): Pathogenic. Review status: criteria provided, multiple submitters, no conflicts (2 of 4 stars). 7 submissions from 7 submitters: Pathogenic (5). 2 of the submissions do not count toward it. Last evaluated 2025-09-08.

Conditions:
LRMDA-related disorder. Also called: LRMDA-related condition.
C10ORF11 & LRMDA-related disorders.
Oculocutaneous albinism type 7. Also called: Albinism, oculocutaneous, type VII. Identifiers: Orphanet 352745, MedGen C3808786, MONDO:0014070, OMIM 615179.

Allele frequency attached by ClinVar (database versions not stated): gnomAD exomes 0.00028 and 0.00006; ExAC 0.00004; TOPMed 0.00017; gnomAD 0.00019 and 0.00020.

Submissions (7):

Labcorp Genetics (formerly Invitae), Labcorp
Classification: Pathogenic. Last evaluated: 2025-09-08. Review status: criteria provided, single submitter. Criteria: Invitae Variant Classification Sherloc (09022015). Collection method: clinical testing. Allele origin: germline.
Comment: This sequence change creates a premature translational stop signal (p.Ala23Argfs*39) in the C10orf11 gene. It is expected to result in an absent or disrupted protein product. Loss-of-function variants in C10orf11 are known to be pathogenic (PMID: 23395477, 29345414). This variant is present in population databases (rs758262905, gnomAD 0.01%). This premature translational stop signal has been observed in individual(s) with oculocutaneous albinism (PMID: 23395477, 31694064). This variant is also known as c.150dupC. ClinVar contains an entry for this variant (Variation ID: 41917). For these reasons, this variant has been classified as Pathogenic.

First Genomix Gene Laboratory, Genetic Diagnostics Department
Classification: Pathogenic for Oculocutaneous albinism type 7. Last evaluated: 2025-04-25. Review status: criteria provided, single submitter. Criteria: ACMG Guidelines, 2015. Collection method: clinical testing. Allele origin: germline. Inheritance: Autosomal recessive inheritance. Affected: no. Observed: 1 variant allele.

Blueprint Genetics
Classification: Pathogenic for C10ORF11 & LRMDA-related disorders. Last evaluated: 2024-09-19. Review status: criteria provided, single submitter. Criteria: ACMG Guidelines, 2015. Collection method: clinical testing. Allele origin: germline. Affected: yes. Observed: 5 variant alleles.

ARUP Laboratories, Molecular Genetics and Genomics, ARUP Laboratories
Classification: Pathogenic for Oculocutaneous albinism type 7. Last evaluated: 2023-09-18. Review status: criteria provided, single submitter. Criteria: ARUP Molecular Germline Variant Investigation Process 2024. Collection method: clinical testing. Allele origin: germline.
Comment: The LRMDA c.66dup; p.Ala23ArgfsTer39 variant (rs587776953) is reported in the literature in several affected homozygous individuals (Bataille 2020, Gronskov 2013, Lasseaux 2018). This variant is also reported in ClinVar (Variation ID: 41917). This variant is found in the general population with an overall allele frequency of 0.007% (19/282,690 alleles) in the Genome Aggregation Database (v2.1.1). This variant causes a frameshift by inserting a single nucleotide, so it is predicted to result in a truncated protein or mRNA subject to nonsense-mediated decay. Based on available information, this variant is considered to be pathogenic. References: Bataille P et al. Clinical variability and probable founder effect in oculocutaneous albinism type 7. Clin Genet. 2020 Mar;97(3):527-528. PMID: 31694064. Gronskov K et al. Mutations in c10orf11, a melanocyte-differentiation gene, cause autosomal-recessive albinism. Am J Hum Genet. 2013 Mar 7;92(3):415-21. PMID: 23395477. Lasseaux E et al. Molecular characterization of a series of 990 index patients with albinism. Pigment Cell Melanoma Res. 2018 Jul;31(4):466-474. PMID: 29345414.

GeneDx
Classification: Pathogenic. Last evaluated: 2021-03-15. Review status: criteria provided, single submitter. Criteria: GeneDx Variant Classification Process June 2021. Collection method: clinical testing. Allele origin: germline. Affected: yes.
Comment: Frameshift variant predicted to result in protein truncation or nonsense mediated decay in a gene for which loss-of-function is a known mechanism of disease; Not observed in large population cohorts (Lek et al., 2016); This variant is associated with the following publications: (PMID: 29345414, 31980526, 31694064, 23395477)

PreventionGenetics, part of Exact Sciences
Classification: Pathogenic for LRMDA-related condition. Last evaluated: 2024-01-31. Review status: no assertion criteria provided. Collection method: clinical testing. Allele origin: germline. Not counted in ClinVar's aggregate classification.
Comment: The LRMDA c.66dupC variant is predicted to result in a frameshift and premature protein termination (p.Ala23Argfs*39). This variant has been reported in the homozygous state in individuals with autosomal recessive oculocutaneous albinism (Grønskov et al. 2013. PubMed ID: 23395477; Supplemental Table, Holtan et al. 2019. PubMed ID: 31429209; Bataille et al. 2020. PubMed ID: 31694064). This variant is reported in 0.015% of alleles in individuals of European (Non-Finnish) descent in gnomAD. Frameshift variants in LRMDA are expected to be pathogenic. We interpret this variant as pathogenic.

OMIM
Classification: Pathogenic for ALBINISM, OCULOCUTANEOUS, TYPE VII. Last evaluated: 2013-03-07. Review status: no assertion criteria provided. Collection method: literature only. Allele origin: germline. Not counted in ClinVar's aggregate classification.

Literature cited by the submitters: PubMed 23395477 (cited by Labcorp Genetics (formerly Invitae), Labcorp and OMIM); PubMed 29345414 (cited by Labcorp Genetics (formerly Invitae), Labcorp); PubMed 31694064 (cited by Labcorp Genetics (formerly Invitae), Labcorp).